The following is an entry in ClinVar:

NM_021913.5(AXL):c.1327A>G (p.Thr443Ala)

Gene: AXL (AXL receptor tyrosine kinase; plus strand). Cytogenetic location: 19q13.2.
Variant type: single nucleotide variant.
Coding change: c.1327A>G on transcript NM_021913.5 (MANE Select); coding-DNA position 1327, A replaced by G.
Protein change: p.Thr443Ala; replaces threonine 443 with alanine.
Molecular consequence: missense variant.
Genome position (GRCh38, 1-based): chr19:41,242,897, A>G. VCF-style: chr19-41242897-A-G. GRCh37 (hg19) VCF-style: chr19-41748802-A-G.
Other names: c.1327A>G (NM_021913.3); c.523A>G, p.Thr175Ala (NM_001278599.2); c.1300A>G, p.Thr434Ala (NM_001699.6); short protein forms T434A, T443A, T175A.
Identifiers: ClinVar variation 1898542 (VCV001898542.6), dbSNP rs1349581273, ClinGen allele CA9458277.

ClinVar aggregate classification (germline): Conflicting classifications of pathogenicity. Review status: criteria provided, conflicting classifications (1 of 4 stars). 2 submissions from 2 submitters: Uncertain significance (1); Likely benign (1). Last evaluated 2025-10-02.

Allele frequency attached by ClinVar (database versions not stated): gnomAD exomes below 0.00001; ExAC 0.00001.
gnomAD v4.1: 1 of 1,613,670 alleles (0.000062%); highest among the groups gnomAD compares: Admixed American, 0.0017%; no homozygotes.

Submissions (2):

Ambry Genetics
Classification: Likely benign. Last evaluated: 2025-10-02. Review status: criteria provided, single submitter. Criteria: Ambry Variant Classification Scheme 2023. Collection method: clinical testing. Allele origin: germline.

Labcorp Genetics (formerly Invitae), Labcorp
Classification: Uncertain significance. Last evaluated: 2025-01-06. Review status: criteria provided, single submitter. Criteria: Invitae Variant Classification Sherloc (09022015). Collection method: clinical testing. Allele origin: germline.
Comment: This sequence change replaces threonine, which is neutral and polar, with alanine, which is neutral and non-polar, at codon 443 of the AXL protein (p.Thr443Ala). This variant is present in population databases (no rsID available, gnomAD 0.006%). This variant has not been reported in the literature in individuals affected with AXL-related conditions. ClinVar contains an entry for this variant (Variation ID: 1898542). An algorithm developed to predict the effect of missense changes on protein structure and function outputs the following: PolyPhen-2: "Benign". The alanine amino acid residue is found in multiple mammalian species, which suggests that this missense change does not adversely affect protein function. In summary, the available evidence is currently insufficient to determine the role of this variant in disease. Therefore, it has been classified as a Variant of Uncertain Significance.